The following is an entry in ClinVar:

NM_013254.4(TBK1):c.1110C>T (p.Phe370=)

Gene: TBK1 (TANK binding kinase 1; plus strand). Cytogenetic location: 12q14.2.
Variant type: single nucleotide variant.
Coding change: c.1110C>T on transcript NM_013254.4 (MANE Select); coding-DNA position 1110, C replaced by T.
Protein change: p.Phe370=; no amino-acid change (phenylalanine 370 retained).
Molecular consequence: synonymous variant.
Genome position (GRCh38, 1-based): chr12:64,484,420, C>T. VCF-style: chr12-64484420-C-T. GRCh37 (hg19) VCF-style: chr12-64878200-C-T.
Other names: c.1110C>T, p.Phe370= (LRG_1306t1).
Identifiers: ClinVar variation 475932 (VCV000475932.41), dbSNP rs143590388, ClinGen allele CA6668973.
Genomic context (GRCh38, chr12:64,484,420, plus strand): 5'-AGAACTTATCTACGAAGGGCGACGCTTAGTCTTAGAACCTGGAAGGCTGGCACAACATTT[C>T]CCTAAAACTACTGAGGAAAACCCTATATTTGTAGTAAGCCGGGAACCTCTGAATACCATA-3'
Protein context (NP_037386.1, residues 360-380): VLEPGRLAQH[Phe370=]PKTTEENPIF

ClinVar aggregate classification (germline): Benign/Likely benign. Review status: criteria provided, multiple submitters, no conflicts (2 of 4 stars). 7 submissions from 7 submitters: Benign (1); Likely benign (4). 2 of the submissions do not count toward it. Last evaluated 2026-09-01.

Conditions:
Frontotemporal dementia and/or amyotrophic lateral sclerosis 4. Also called: FTDALS4. Identifiers: Orphanet 275872, MedGen C4225325, MONDO:0014641, OMIM 616439.

Allele frequency attached by ClinVar (database versions not stated): 1000 Genomes Project 30x 0.00078; 1000 Genomes Project 0.00100; gnomAD 0.00149 and 0.00155; ExAC 0.00172; TOPMed 0.00173; ESP Exome Variant Server 0.00215.
gnomAD v4.1: 3,519 of 1,614,080 alleles (0.22%); highest among the groups gnomAD compares: Non-Finnish European, 0.27%; 10 homozygotes.

Submissions (7):

CeGaT Center for Human Genetics Tuebingen
Classification: Likely benign. Last evaluated: 2026-09-01. Review status: criteria provided, single submitter. Criteria: CeGaT Center For Human Genetics Tuebingen Variant Classification Criteria Version 2. Collection method: clinical testing. Allele origin: germline. Affected: yes. Observed: 10 variant alleles.
Comment: TBK1: BP4, BP7

Labcorp Genetics (formerly Invitae), Labcorp
Classification: Benign for Frontotemporal dementia and/or amyotrophic lateral sclerosis 4. Last evaluated: 2026-01-26. Review status: criteria provided, single submitter. Criteria: Invitae Variant Classification Sherloc (09022015). Collection method: clinical testing. Allele origin: germline.

Blueprint Genetics
Classification: Likely benign. Last evaluated: 2024-11-13. Review status: criteria provided, single submitter. Criteria: ACMG Guidelines, 2015. Collection method: clinical testing. Allele origin: germline.

GeneDx
Classification: Likely benign. Last evaluated: 2020-09-09. Review status: criteria provided, single submitter. Criteria: GeneDx Variant Classification Process June 2021. Collection method: clinical testing. Allele origin: germline. Affected: yes.

Breakthrough Genomics
Classification: Likely benign. Review status: criteria provided, single submitter. Criteria: ACMG Guidelines, 2015. Collection method: not provided. Allele origin: germline. Inheritance: Autosomal dominant inheritance. Affected: yes.

Clinical Genetics DNA and cytogenetics Diagnostics Lab, Erasmus MC, Erasmus Medical Center
Classification: Likely benign. Review status: no assertion criteria provided. Collection method: clinical testing. Allele origin: germline. Affected: yes. Study: VKGL Data-share Consensus. Not counted in ClinVar's aggregate classification.

Genome Diagnostics Laboratory, Amsterdam University Medical Center
Classification: Likely benign. Review status: no assertion criteria provided. Collection method: clinical testing. Allele origin: germline. Affected: yes. Study: VKGL Data-share Consensus. Not counted in ClinVar's aggregate classification.